The following is an entry in ClinVar:

NM_003620.4(PPM1D):c.172C>T (p.Leu58Phe)

Gene: PPM1D (protein phosphatase, Mg2+/Mn2+ dependent 1D; plus strand). Cytogenetic location: 17q23.2.
Variant type: single nucleotide variant.
Coding change: c.172C>T on transcript NM_003620.4 (MANE Select); coding-DNA position 172, C replaced by T.
Protein change: p.Leu58Phe; replaces leucine 58 with phenylalanine.
Molecular consequence: missense variant.
Genome position (GRCh38, 1-based): chr17:60,600,586, C>T. VCF-style: chr17-60600586-C-T. GRCh37 (hg19) VCF-style: chr17-58677947-C-T.
Other names: short protein forms L58F.
Identifiers: ClinVar variation 2850536 (VCV002850536.4), dbSNP rs775961598, ClinGen allele CA292225345.

ClinVar aggregate classification (germline): Uncertain significance. Review status: criteria provided, multiple submitters, no conflicts (2 of 4 stars). 2 submissions from 2 submitters: Uncertain significance (2). Last evaluated 2024-10-07.

Conditions:
Inborn genetic diseases. Identifiers: MedGen C0950123, MeSH D030342.

gnomAD v4.1: 4 of 1,555,546 alleles (0.00026%); highest among the groups gnomAD compares: East Asian, 0.0024%; no homozygotes.

Submissions (2):

Ambry Genetics
Classification: Uncertain significance for Inborn genetic diseases. Last evaluated: 2024-10-07. Review status: criteria provided, single submitter. Criteria: Ambry Variant Classification Scheme 2023. Collection method: clinical testing. Allele origin: germline.

Labcorp Genetics (formerly Invitae), Labcorp
Classification: Uncertain significance. Last evaluated: 2022-12-05. Review status: criteria provided, single submitter. Criteria: Invitae Variant Classification Sherloc (09022015). Collection method: clinical testing. Allele origin: germline.
Comment: This sequence change replaces leucine, which is neutral and non-polar, with phenylalanine, which is neutral and non-polar, at codon 58 of the PPM1D protein (p.Leu58Phe). The frequency data for this variant in the population databases is considered unreliable, as metrics indicate poor data quality at this position in the gnomAD database. This variant has not been reported in the literature in individuals affected with PPM1D-related conditions. Algorithms developed to predict the effect of missense changes on protein structure and function output the following: SIFT: "Tolerated"; PolyPhen-2: "Benign"; Align-GVGD: "Class C0". The phenylalanine amino acid residue is found in multiple mammalian species, which suggests that this missense change does not adversely affect protein function. In summary, the available evidence is currently insufficient to determine the role of this variant in disease. Therefore, it has been classified as a Variant of Uncertain Significance.